The following is an entry in ClinVar:

ClinVar aggregate classification (germline): Uncertain significance (1 of 4 stars; one submission).

Conditions:
Familial cancer of breast. Also called: hereditary breast carcinoma; BREAST CANCER, FAMILIAL; Hereditary breast cancer. Identifiers: Orphanet 227535, MedGen C0346153, MONDO:0016419, OMIM 114480. Disease mechanism: loss of function.

Submission:

Labcorp Genetics (formerly Invitae), Labcorp
Classification: Uncertain significance for Familial cancer of breast. Last evaluated: 2021-12-05. Review status: criteria provided, single submitter. Criteria: Invitae Variant Classification Sherloc (09022015). Collection method: clinical testing. Allele origin: germline.
Comment: This sequence change falls in intron 6 of the CHEK2 gene. It does not directly change the encoded amino acid sequence of the CHEK2 protein. It affects a nucleotide within the consensus splice site. This variant is not present in population databases (gnomAD no frequency). This variant has not been reported in the literature in individuals affected with CHEK2-related conditions. Variants that disrupt the consensus splice site are a relatively common cause of aberrant splicing (PMID: 17576681, 9536098). Algorithms developed to predict the effect of sequence changes on RNA splicing suggest that this variant may disrupt the consensus splice site. In summary, the available evidence is currently insufficient to determine the role of this variant in disease. Therefore, it has been classified as a Variant of Uncertain Significance.

Literature cited by the submitters: PubMed 17576681; PubMed 9536098.

NM_007194.4(CHEK2):c.787_792+5dup

Gene: CHEK2 (checkpoint kinase 2; minus strand). Cytogenetic location: 22q12.1.
Variant type: Duplication.
Coding change: c.787_792+5dup on transcript NM_007194.4 (MANE Select); coding-DNA position 787 through 5 bases into the intron after coding-DNA position 792, 11 bases duplicated (GAGGCAGTAAG).
Molecular consequence: splice donor variant.
Genome position (GRCh38, 1-based): chr22:28,711,904-28,711,914, CTTACTGCCTC duplicated on the plus strand (GAGGCAGTAAG on the coding strand, the reverse complement: CHEK2 is on the minus strand). VCF-style (leftmost placement, unchanged base first): chr22-28711903-A-ACTTACTGCCTC. GRCh37 (hg19) VCF-style: chr22-29107891-A-ACTTACTGCCTC.
Other names: c.124_129+5dup (NM_001437942.1, NM_001257387.3); c.586_591+5dup (NM_001349956.3); c.787_792+5dup (NM_145862.3); c.880_885+5dup (NM_001438295.1, NM_001438293.1); c.916_921+5dup (NM_001438294.1, NM_001005735.3).
Identifiers: ClinVar variation 1396366 (VCV001396366.7), dbSNP rs2145948560, ClinGen allele CA2573157972.